The following is an entry in ClinVar:

ClinVar aggregate classification (germline): Uncertain significance (1 of 4 stars; one submission).

Conditions:
Multiple endocrine neoplasia, type 1 (MEN1). Also called: MEA I; MEN I; WERMER SYNDROME; Endocrine adenomatosis multiple; MEN 1. Identifiers: Orphanet 652, MedGen C0025267, MeSH D018761, MONDO:0007540, OMIM 131100.

Submission:

Labcorp Genetics (formerly Invitae), Labcorp
Classification: Uncertain significance for Multiple endocrine neoplasia, type 1. Last evaluated: 2024-06-10. Review status: criteria provided, single submitter. Criteria: Invitae Variant Classification Sherloc (09022015). Collection method: clinical testing. Allele origin: germline.
Comment: This sequence change replaces leucine, which is neutral and non-polar, with valine, which is neutral and non-polar, at codon 27 of the MEN1 protein (p.Leu27Val). This variant is not present in population databases (gnomAD no frequency). This variant has not been reported in the literature in individuals affected with MEN1-related conditions. ClinVar contains an entry for this variant (Variation ID: 838319). Advanced modeling of protein sequence and biophysical properties (such as structural, functional, and spatial information, amino acid conservation, physicochemical variation, residue mobility, and thermodynamic stability) performed at Invitae indicates that this missense variant is expected to disrupt MEN1 protein function with a positive predictive value of 95%. In summary, the available evidence is currently insufficient to determine the role of this variant in disease. Therefore, it has been classified as a Variant of Uncertain Significance.

NM_001370259.2(MEN1):c.79C>G (p.Leu27Val)

Gene: MEN1 (menin 1; minus strand). Cytogenetic location: 11q13.1.
Variant type: single nucleotide variant.
Coding change: c.79C>G on transcript NM_001370259.2 (MANE Select); coding-DNA position 79, C replaced by G.
Protein change: p.Leu27Val; replaces leucine 27 with valine.
Molecular consequence: missense variant.
Genome position (GRCh38, 1-based): chr11:64,810,031, G>C on the plus strand (C>G on the coding strand, the complement: MEN1 is on the minus strand). VCF-style: chr11-64810031-G-C. GRCh37 (hg19) VCF-style: chr11-64577503-G-C.
Other names: c.79C>G, p.Leu27Val (NM_000244.4, NM_001370251.2, NM_001370260.2 and 9 more transcripts); short protein forms L27V.
Identifiers: ClinVar variation 838319 (VCV000838319.9), dbSNP rs1006536599, ClinGen allele CA381188046.